The following is an entry in ClinVar:

ClinVar aggregate classification (germline): Conflicting classifications of pathogenicity. Review status: criteria provided, conflicting classifications (1 of 4 stars). 2 submissions from 2 submitters: Uncertain significance (1); Likely benign (1). Last evaluated 2025-11-11.

Allele frequency attached by ClinVar (database versions not stated): gnomAD exomes below 0.00001.

Submissions (2):

Labcorp Genetics (formerly Invitae), Labcorp
Classification: Uncertain significance. Last evaluated: 2025-11-11. Review status: criteria provided, single submitter. Criteria: Invitae Variant Classification Sherloc (09022015). Collection method: clinical testing. Allele origin: germline.
Comment: This sequence change replaces methionine, which is neutral and non-polar, with leucine, which is neutral and non-polar, at codon 114 of the TWNK protein (p.Met114Leu). This variant is present in population databases (no rsID available, gnomAD 0.003%). This variant has not been reported in the literature in individuals affected with TWNK-related conditions. ClinVar contains an entry for this variant (Variation ID: 214172). Invitae Evidence Modeling of protein sequence and biophysical properties (such as structural, functional, and spatial information, amino acid conservation, physicochemical variation, residue mobility, and thermodynamic stability) indicates that this missense variant is not expected to disrupt TWNK protein function with a negative predictive value of 80%. In summary, the available evidence is currently insufficient to determine the role of this variant in disease. Therefore, it has been classified as a Variant of Uncertain Significance.

GeneDx
Classification: Likely benign. Last evaluated: 2012-11-05. Review status: criteria provided, single submitter. Criteria: GeneDx Variant Classification (06012015). Collection method: clinical testing. Allele origin: germline. Affected: yes.
Comment: This variant is considered likely benign or benign based on one or more of the following criteria: it is a conservative change, it occurs at a poorly conserved position in the protein, it is predicted to be benign by multiple in silico algorithms, and/or has population frequency not consistent with disease.

NM_021830.5(TWNK):c.340A>T (p.Met114Leu)

Gene: TWNK (twinkle mtDNA helicase; plus strand). Cytogenetic location: 10q24.31.
Variant type: single nucleotide variant.
Coding change: c.340A>T on transcript NM_021830.5 (MANE Select); coding-DNA position 340, A replaced by T.
Protein change: p.Met114Leu; replaces methionine 114 with leucine.
Molecular consequence: missense variant. On other transcripts: non-coding transcript variant (4), intron variant (3).
Genome position (GRCh38, 1-based): chr10:100,988,550, A>T. VCF-style: chr10-100988550-A-T. GRCh37 (hg19) VCF-style: chr10-102748307-A-T.
Other names: p.M114L:ATG>TTG; c.340A>T, p.Met114Leu (NM_001163812.2); c.-120+937A>T (NM_001163814.2, NM_001163813.2); c.-58+937A>T (NM_001368275.1); short protein forms M114L.
Identifiers: ClinVar variation 214172 (VCV000214172.3), dbSNP rs863223916, ClinGen allele CA325441.
Genomic context (GRCh38, chr10:100,988,550, plus strand): 5'-ACTGGTGTTACCACTTCCTTCAGCCTCTTCATTGACAAGACCACAGGCCACTTTCTCTGC[A>T]TGACCAGCCTAGCAGAAGGGAGCTGGGAAGACTTCCAGGCCAGCGTGGAGGGGCGAGGGG-3'
Protein context (NP_068602.2, residues 104-124): IDKTTGHFLC[Met114Leu]TSLAEGSWED